The following is an entry in ClinVar:

ClinVar aggregate classification (germline): Uncertain significance. Review status: criteria provided, multiple submitters, no conflicts (2 of 4 stars). 3 submissions from 3 submitters: Uncertain significance (3). Last evaluated 2025-10-01.

Conditions:
Cardiovascular phenotype. Identifiers: MedGen CN230736.

Allele frequency attached by ClinVar (database versions not stated): gnomAD 0.00001; ExAC 0.00001.

Submissions (3):

Ambry Genetics
Classification: Uncertain significance for Cardiovascular phenotype. Last evaluated: 2025-10-01. Review status: criteria provided, single submitter. Criteria: Ambry Variant Classification Scheme 2023. Collection method: clinical testing. Allele origin: germline.
Comment: The c.60814+4C>T intronic variant results from a C to T substitution 4 nucleotides after coding exon 156 in the TTN gene. This nucleotide position is poorly conserved in available vertebrate species. In silico splice site analysis predicts that this alteration will not have any significant effect on splicing. Based on the available evidence, the clinical significance of this variant remains unclear.

Women's Health and Genetics/Laboratory Corporation of America, LabCorp
Classification: Uncertain significance. Last evaluated: 2025-09-29. Review status: criteria provided, single submitter. Criteria: LabCorp Variant Classification Summary - May 2015. Collection method: clinical testing. Allele origin: germline.

Athena Diagnostics
Classification: Uncertain significance. Last evaluated: 2022-04-18. Review status: criteria provided, single submitter. Criteria: Athena Diagnostics Criteria. Collection method: clinical testing. Allele origin: unknown.

NM_001267550.2(TTN):c.88009+4C>T

Genes: TTN (titin; minus strand), TTN-AS1 (TTN antisense RNA 1; plus strand). Cytogenetic location: 2q31.2.
Variant type: single nucleotide variant.
Coding change: c.88009+4C>T on transcript NM_001267550.2 (MANE Select); 4 bases into the intron after coding-DNA position 88009, C replaced by T.
Molecular consequence: intron variant.
Genome position (GRCh38, 1-based): chr2:178,557,249, G>A on the plus strand (C>T on the coding strand, the complement: TTN is on the minus strand). VCF-style: chr2-178557249-G-A. GRCh37 (hg19) VCF-style: chr2-179421976-G-A.
Other names: c.60814+4C>T (NM_003319.4); c.61390+4C>T (NM_133437.4); c.61189+4C>T (NM_133432.3); c.80305+4C>T (NM_133378.4); c.83086+4C>T (NM_001256850.1); c.88009+4C>T (NM_001267550.1).
Identifiers: ClinVar variation 1751452 (VCV001751452.5), dbSNP rs774110800, ClinGen allele CA1988232.
Genomic context (GRCh38, chr2:178,557,249, plus strand): 5'-GCTTCGCAGAAGTAAGATTTGCATTTTTGTTATCAGAACTGCCCTTCCCATGACAAATAC[G>A]TACCACAAGCATCAATTGCCAAGACTGGTTCAGAAGGATGGCTAGGTTTTCCAACTCCAG-3'